The following is an entry in ClinVar:

ClinVar aggregate classification (germline): Likely benign. Review status: criteria provided, multiple submitters, no conflicts (2 of 4 stars). 2 submissions from 2 submitters: Likely benign (2). Last evaluated 2024-04-29.

Conditions:
Myoclonic epilepsy, juvenile, susceptibility to, 1. Also called: Myoclonic Epilepsy, Juvenile, 1; EJM1. Identifiers: MedGen C1850778, MONDO:0020752, OMIM 254770.
Absence seizure. Also called: Absence epilepsy. Identifiers: Orphanet 1941, MedGen C0014553.

Allele frequency attached by ClinVar (database versions not stated): ESP Exome Variant Server 0.00015; gnomAD exomes 0.00022 and 0.00043; ExAC 0.00024; gnomAD 0.00034 and 0.00036; TOPMed 0.00034.
gnomAD v4.1: 666 of 1,614,062 alleles (0.041%); highest among the groups gnomAD compares: Non-Finnish European, 0.054%; no homozygotes.

Submissions (2):

Labcorp Genetics (formerly Invitae), Labcorp
Classification: Likely benign for Myoclonic epilepsy, juvenile, susceptibility to, 1; Absence seizure. Last evaluated: 2024-04-29. Review status: criteria provided, single submitter. Criteria: Invitae Variant Classification Sherloc (09022015). Collection method: clinical testing. Allele origin: germline.

GeneDx
Classification: Likely benign. Last evaluated: 2019-02-08. Review status: criteria provided, single submitter. Criteria: GeneDx Variant Classification Process June 2021. Collection method: clinical testing. Allele origin: germline. Affected: yes.
Comment: This variant is associated with the following publications: (PMID: 26423924)

NM_018100.4(EFHC1):c.97T>C (p.Tyr33His)

Gene: EFHC1 (EF-hand domain containing 1; plus strand). Cytogenetic location: 6p12.2.
Variant type: single nucleotide variant.
Coding change: c.97T>C on transcript NM_018100.4 (MANE Select); coding-DNA position 97, T replaced by C.
Protein change: p.Tyr33His; replaces tyrosine 33 with histidine.
Molecular consequence: missense variant. On other transcripts: non-coding transcript variant (1).
Genome position (GRCh38, 1-based): chr6:52,423,979, T>C. VCF-style: chr6-52423979-T-C. GRCh37 (hg19) VCF-style: chr6-52288777-T-C.
Other names: p.Y33H:TAC>CAC; c.40T>C, p.Tyr14His (NM_001172420.2); short protein forms Y33H, Y14H.
Identifiers: ClinVar variation 205397 (VCV000205397.15), dbSNP rs374402088, ClinGen allele CA314430.